The following is an entry in ClinVar:

ClinVar aggregate classification (germline): Uncertain significance (1 of 4 stars; one submission).

Conditions:
Koolen-de Vries syndrome (KDVS). Identifiers: Orphanet 96169, MedGen C1864871, MONDO:0012496, OMIM 610443.

Allele frequency attached by ClinVar (database versions not stated): TOPMed below 0.00001; gnomAD 0.00001.
gnomAD v4.1: 1 of 1,613,944 alleles (0.000062%); highest among the groups gnomAD compares: Non-Finnish European, 0.000085%; no homozygotes.

Submission:

Labcorp Genetics (formerly Invitae), Labcorp
Classification: Uncertain significance for Koolen-de Vries syndrome. Last evaluated: 2021-09-17. Review status: criteria provided, single submitter. Criteria: Invitae Variant Classification Sherloc (09022015). Collection method: clinical testing. Allele origin: germline.
Comment: Due to the possible presence of a polymorphic segmental duplication, the location of the variant could not be unambiguously resolved. Variants with ambiguous mapping are still reported relative to the KANSL1 transcript. This sequence change replaces glutamic acid with glutamine at codon 218 of the KANSL1 protein (p.Glu218Gln). The glutamic acid residue is moderately conserved and there is a small physicochemical difference between glutamic acid and glutamine. The frequency data for this variant in the population databases (ExAC) is considered unreliable due to the presence of homologous sequence, such as pseudogenes or paralogs, in the genome. This variant has not been reported in the literature in individuals with KANSL1-related conditions. Algorithms developed to predict the effect of missense changes on protein structure and function output the following: SIFT: "Tolerated"; PolyPhen-2: "Benign"; Align-GVGD: "Class C0". The glutamine amino acid residue is found in multiple mammalian species, which suggests that this missense change does not adversely affect protein function. Until the location of this sequence change can be resolved, the clinical significance of this variant remains uncertain. It has been classified as a Variant of Uncertain Significance.

NM_015443.4(KANSL1):c.652G>C (p.Glu218Gln)

Gene: KANSL1 (KAT8 regulatory NSL complex subunit 1). Cytogenetic location: 17q21.31.
Variant type: single nucleotide variant.
Coding change: c.652G>C on transcript NM_015443.4 (MANE Select); coding-DNA position 652, G replaced by C.
Protein change: p.Glu218Gln; replaces glutamic acid 218 with glutamine.
Molecular consequence: missense variant.
Genome position (GRCh38, 1-based): chr17:46,171,492, C>G on the plus strand (G>C on the coding strand, the complement: KANSL1 is on the minus strand). VCF-style: chr17-46171492-C-G. GRCh37 (hg19) VCF-style: chr17-44248858-C-G.
Other names: c.652G>C, p.Glu218Gln (NM_001193465.2, NM_001193466.2, NM_001379198.1); short protein forms E218Q.
Identifiers: ClinVar variation 1006142 (VCV001006142.6), dbSNP rs1268624539, ClinGen allele CA399981315.